The following is an entry in ClinVar:

ClinVar aggregate classification (germline): Uncertain significance (1 of 4 stars; one submission).

Submission:

Labcorp Genetics (formerly Invitae), Labcorp
Classification: Uncertain significance. Last evaluated: 2025-12-20. Review status: criteria provided, single submitter. Criteria: Invitae Variant Classification Sherloc (09022015). Collection method: clinical testing. Allele origin: germline.
Comment: This sequence change replaces arginine, which is basic and polar, with glycine, which is neutral and non-polar, at codon 2258 of the CPLANE1 protein (p.Arg2258Gly). This variant is not present in population databases (gnomAD no frequency). This variant has not been reported in the literature in individuals affected with CPLANE1-related conditions. ClinVar contains an entry for this variant (Variation ID: 3635368). Invitae Evidence Modeling of protein sequence and biophysical properties (such as structural, functional, and spatial information, amino acid conservation, physicochemical variation, residue mobility, and thermodynamic stability) indicates that this missense variant is not expected to disrupt CPLANE1 protein function with a negative predictive value of 95%. In summary, the available evidence is currently insufficient to determine the role of this variant in disease. Therefore, it has been classified as a Variant of Uncertain Significance.

NM_001384732.1(CPLANE1):c.6772A>G (p.Arg2258Gly)

Gene: CPLANE1 (ciliogenesis and planar polarity effector complex subunit 1; minus strand). Cytogenetic location: 5p13.2.
Variant type: single nucleotide variant.
Coding change: c.6772A>G on transcript NM_001384732.1 (MANE Select); coding-DNA position 6772, A replaced by G.
Protein change: p.Arg2258Gly; replaces arginine 2258 with glycine.
Molecular consequence: missense variant.
Genome position (GRCh38, 1-based): chr5:37,169,252, T>C on the plus strand (A>G on the coding strand, the complement: CPLANE1 is on the minus strand). VCF-style: chr5-37169252-T-C. GRCh37 (hg19) VCF-style: chr5-37169354-T-C.
Other names: c.6772A>G, p.Arg2258Gly (NM_023073.4); short protein forms R2258G.
Identifiers: ClinVar variation 3635368 (VCV003635368.2).
Genomic context (GRCh38, chr5:37,169,252, plus strand): 5'-TTTGTGCTGCTCTCTGTGGCAGAGCAGGTTGGAAGGAGTCAGATAATCCCCAAGCCTCTC[T>C]TGGTTGTGGCAAAGGCCTGAAGGGAACTTGTGGAATACTTCCTGTATGTAAGAAAAGGGG-3'
Protein context (NP_001371661.1, residues 2248-2268): QVPFRPLPQP[Arg2258Gly]EAWGLSDSFQ